The following is an entry in ClinVar:

NM_175914.5(HNF4A):c.320-8C>T

Gene: HNF4A (hepatocyte nuclear factor 4 alpha; plus strand). Cytogenetic location: 20q13.12.
Variant type: single nucleotide variant.
Coding change: c.320-8C>T on transcript NM_175914.5 (MANE Select); 8 bases into the intron before coding-DNA position 320, C replaced by T.
Molecular consequence: intron variant.
Genome position (GRCh38, 1-based): chr20:44,413,686, C>T. VCF-style: chr20-44413686-C-T. GRCh37 (hg19) VCF-style: chr20-43042326-C-T.
Other names: c.311-8C>T (NM_001287182.2, NM_001287183.2, NM_001287184.2); c.320-8C>T (NM_001030003.3, NM_001030004.3); c.365-8C>T (NM_001258355.2); c.386-8C>T (NM_178849.3, NM_000457.6, NM_178850.3).
Identifiers: ClinVar variation 3571735 (VCV003571735.1).
Genomic context (GRCh38, chr20:44,413,686, plus strand): 5'-GTCACAGACACCCCCACCCCCTACTCCATCCCTGTTCTCCCTCCTCACCTCTCTGTGCCT[C>T]CTCACAGCCGTCCAGAATGAGCGGGACCGGATCAGCACTCGAAGGTCAAGCTATGAGGAC-3'

ClinVar aggregate classification (germline): Uncertain significance (1 of 4 stars; one submission).

Submission:

Athena Diagnostics
Classification: Uncertain significance. Last evaluated: 2023-12-06. Review status: criteria provided, single submitter. Criteria: Athena Diagnostics Criteria. Collection method: clinical testing. Allele origin: unknown.
Comment: Available data are insufficient to determine the clinical significance of the variant at this time. This variant has not been reported in large, multi-ethnic general populations. Computational tools yielded predictions that this variant is unlikely to have an effect on normal RNA splicing.